The following is an entry in ClinVar:

ClinVar aggregate classification (germline): Uncertain significance (1 of 4 stars; one submission).

Conditions:
Hearing loss, autosomal recessive 115. Also called: Deafness, autosomal recessive 115. Identifiers: MedGen C5193108, MONDO:0032762, OMIM 618457.

gnomAD v4.1: 1 of 1,612,280 alleles (0.000062%); highest among the groups gnomAD compares: Non-Finnish European, 0.000085%; no homozygotes.

Submission:

OLLIN Analises Genomicas, OLLIN
Classification: Uncertain significance for Hearing loss, autosomal recessive 115. Last evaluated: 2026-08-06. Review status: criteria provided, single submitter. Criteria: ACMG Guidelines 2015 PMID 25741868. Collection method: clinical testing. Allele origin: germline.
Comment: This missense variant, located in exon 4 (of 13), has been observed in gnomAD with an allele frequency of 0.000062%, but has not been reported in ClinVar or identified in the literature. In silico analysis is inconclusive regarding the impact of this variant. According to the currently available evidence, this variant has been classified as uncertain significance (PM2_P).

NM_001124758.3(SPNS2):c.584T>A (p.Leu195Gln)

Gene: SPNS2 (SPNS lysolipid transporter 2, sphingosine-1-phosphate; plus strand). Cytogenetic location: 17p13.2.
Variant type: single nucleotide variant.
Coding change: c.584T>A on transcript NM_001124758.3 (MANE Select); coding-DNA position 584, T replaced by A.
Protein change: p.Leu195Gln; replaces leucine 195 with glutamine.
Molecular consequence: missense variant.
Genome position (GRCh38, 1-based): chr17:4,530,642, T>A. VCF-style: chr17-4530642-T-A. GRCh37 (hg19) VCF-style: chr17-4433937-T-A.
Other names: short protein forms L195Q.
Identifiers: ClinVar variation 5002769 (VCV005002769.1).
Genomic context (GRCh38, chr17:4,530,642, plus strand): 5'-GGCAGACGGTGGGTAGTCGGTCCCCCAGCATCCTCCACCCCTCCTCACAGTACTTCTGGC[T>A]GCTGGTCCTGTCCCGGGGGCTGGTGGGCATCGGGGAGGCCAGCTACTCCACCATCGCCCC-3'
Protein context (NP_001118230.1, residues 185-205): SSFIPQQYFW[Leu195Gln]LVLSRGLVGI